The following is an entry in ClinVar:

NM_021830.5(TWNK):c.1358G>A (p.Arg453Gln)

Gene: TWNK (twinkle mtDNA helicase; plus strand). Cytogenetic location: 10q24.31.
Variant type: single nucleotide variant.
Coding change: c.1358G>A on transcript NM_021830.5 (MANE Select); coding-DNA position 1358, G replaced by A.
Protein change: p.Arg453Gln; replaces arginine 453 with glutamine.
Molecular consequence: missense variant. On other transcripts: 5 prime UTR variant (3), non-coding transcript variant (5).
Genome position (GRCh38, 1-based): chr10:100,989,758, G>A. VCF-style: chr10-100989758-G-A. GRCh37 (hg19) VCF-style: chr10-102749515-G-A.
Other names: c.1358G>A, p.Arg453Gln (NM_001163812.2); c.-5G>A (NM_001163813.2, NM_001163814.2, NM_001368275.1); short protein forms R453Q.
Identifiers: ClinVar variation 4695085 (VCV004695085.1).

ClinVar aggregate classification (germline): Uncertain significance (1 of 4 stars; one submission).

gnomAD v4.1: 18 of 1,614,068 alleles (0.0011%); highest among the groups gnomAD compares: African/African-American, 0.0027%; no homozygotes.

Submission:

Labcorp Genetics (formerly Invitae), Labcorp
Classification: Uncertain significance. Last evaluated: 2025-06-11. Review status: criteria provided, single submitter. Criteria: Invitae Variant Classification Sherloc (09022015). Collection method: clinical testing. Allele origin: germline.
Comment: This sequence change replaces arginine, which is basic and polar, with glutamine, which is neutral and polar, at codon 453 of the TWNK protein (p.Arg453Gln). This variant is present in population databases (rs760988188, gnomAD 0.0009%). This missense change has been observed in individual(s) with Perrault syndrome (PMID: 31852434, 32234020). In at least one individual the data is consistent with being in trans (on the opposite chromosome) from a pathogenic variant. Invitae Evidence Modeling of protein sequence and biophysical properties (such as structural, functional, and spatial information, amino acid conservation, physicochemical variation, residue mobility, and thermodynamic stability) has been performed for this missense variant. However, the output from this modeling did not meet the statistical confidence thresholds required to predict the impact of this variant on TWNK protein function. In summary, the available evidence is currently insufficient to determine the role of this variant in disease. Therefore, it has been classified as a Variant of Uncertain Significance.

Literature cited by the submitters: PubMed 31852434; PubMed 32234020.